The following is an entry in ClinVar:

NM_001009944.3(PKD1):c.11564C>G (p.Thr3855Arg)

Genes: PKD1 (polycystin 1, transient receptor potential channel interacting; minus strand), PKD1-AS1 (PKD1 antisense RNA 1; plus strand). Cytogenetic location: 16p13.3.
Variant type: single nucleotide variant.
Coding change: c.11564C>G on transcript NM_001009944.3 (MANE Select); coding-DNA position 11564, C replaced by G.
Protein change: p.Thr3855Arg; replaces threonine 3855 with arginine.
Molecular consequence: missense variant. On other transcripts: non-coding transcript variant (1).
Genome position (GRCh38, 1-based): chr16:2,091,571, G>C on the plus strand (C>G on the coding strand, the complement: PKD1 is on the minus strand). VCF-style: chr16-2091571-G-C. GRCh37 (hg19) VCF-style: chr16-2141572-G-C.
Other names: c.11561C>G, p.Thr3854Arg (NM_000296.4); short protein forms T3854R, T3855R.
Identifiers: ClinVar variation 3896048 (VCV003896048.1).

ClinVar aggregate classification (germline): Uncertain significance (1 of 4 stars; one submission).

Submission:

Women's Health and Genetics/Laboratory Corporation of America, LabCorp
Classification: Uncertain significance. Last evaluated: 2025-03-21. Review status: criteria provided, single submitter. Criteria: LabCorp Variant Classification Summary - May 2015. Collection method: clinical testing. Allele origin: germline.
Comment: Variant summary: PKD1 c.11564C>G (p.Thr3855Arg) results in a non-conservative amino acid change in the encoded protein sequence. Five of five in-silico tools predict a damaging effect of the variant on protein function. The frequency data for this variant in gnomAD is considered unreliable, as metrics indicate poor data quality at this position. To our knowledge, no occurrence of c.11564C>G in individuals affected with PKD1-Biallelic Autosomal Recessive Polycystic Kidney Disease and no experimental evidence demonstrating its impact on protein function have been reported. No submitters have cited clinical-significance assessments for this variant to ClinVar. Based on the evidence outlined above, the variant was classified as uncertain significance.